The following is an entry in ClinVar:

ClinVar aggregate classification (germline): Uncertain significance (1 of 4 stars; one submission).

Submission:

CeGaT Center for Human Genetics Tuebingen
Classification: Uncertain significance. Last evaluated: 2026-02-01. Review status: criteria provided, single submitter. Criteria: CeGaT Center For Human Genetics Tuebingen Variant Classification Criteria Version 2. Collection method: clinical testing. Allele origin: germline. Affected: yes. Observed: 1 variant allele.
Comment: CNOT2: PM2, PP2

NM_014515.7(CNOT2):c.1235A>C (p.Asp412Ala)

Gene: CNOT2 (CCR4-NOT transcription complex subunit 2; plus strand). Cytogenetic location: 12q15.
Variant type: single nucleotide variant.
Coding change: c.1235A>C on transcript NM_014515.7 (MANE Select); coding-DNA position 1235, A replaced by C.
Protein change: p.Asp412Ala; replaces aspartic acid 412 with alanine.
Molecular consequence: missense variant. On other transcripts: non-coding transcript variant (1).
Genome position (GRCh38, 1-based): chr12:70,342,163, A>C. VCF-style: chr12-70342163-A-C. GRCh37 (hg19) VCF-style: chr12-70735943-A-C.
Other names: c.1235A>C, p.Asp412Ala (NM_001199302.2, NM_001199303.2, NM_001414651.1 and 1 more transcripts); c.1208A>C, p.Asp403Ala (NM_001414653.1, NM_001414654.1, NM_001414655.1); c.1193A>C, p.Asp398Ala (NM_001414656.1); c.1175A>C, p.Asp392Ala (NM_001414657.1, NM_001414658.1, NM_001414659.1 and 1 more transcripts); c.1112A>C, p.Asp371Ala (NM_001414661.1); c.1052A>C, p.Asp351Ala (NM_001414662.1); short protein forms D351A, D371A, D392A, D398A, D403A, D412A.
Identifiers: ClinVar variation 4823484 (VCV004823484.4).
Genomic context (GRCh38, chr12:70,342,163, plus strand): 5'-TCAGAAATCTCTACCCCAAATTTGCGTCACCCTGGGCATCTTCACCTTGTCGACCTCAAG[A>C]CATAGGTAGGAGAATCTATTTGTGTTTAGACCTTTTAAAAAGAAATTTACAATTGAGAAT-3'
Protein context (NP_055330.1, residues 402-422): PWASSPCRPQ[Asp412Ala]IDFHVPSEYL